The following is an entry in ClinVar:

NM_004168.4(SDHA):c.5dup (p.Val4fs)

Gene: SDHA (succinate dehydrogenase complex flavoprotein subunit A; plus strand). Cytogenetic location: 5p15.33.
Variant type: Duplication.
Coding change: c.5dup on transcript NM_004168.4 (MANE Select); coding-DNA position 5, one base duplicated (C; older notation c.5dupC).
Protein change: p.Val4fs; shifts the reading frame from valine 4.
Molecular consequence: frameshift variant.
Genome position (GRCh38, 1-based): chr5:218,360, C duplicated. VCF-style (leftmost placement, unchanged base first): chr5-218359-T-TC. GRCh37 (hg19) VCF-style: chr5-218474-T-TC.
Other names: c.5dup, p.Val4fs (NM_001294332.2, NM_001330758.2); short protein forms V4fs.
Identifiers: ClinVar variation 1750996 (VCV001750996.8), dbSNP rs2477251404, ClinGen allele CA2580073061.

ClinVar aggregate classification (germline): Pathogenic. Review status: criteria provided, multiple submitters, no conflicts (2 of 4 stars). 3 submissions from 3 submitters: Pathogenic (3). Last evaluated 2025-05-11.

Conditions:
Hereditary cancer-predisposing syndrome. Also called: Hereditary Cancer Syndrome; Hereditary neoplastic syndrome; Neoplastic Syndromes, Hereditary; Tumor predisposition. Identifiers: Orphanet 140162, MedGen C0027672, MeSH D009386, MONDO:0015356.
Pheochromocytoma/paraganglioma syndrome 5. Also called: Paragangliomas 5; SDHA-Related Hereditary Paraganglioma-Pheochromocytoma Syndrome. Identifiers: Orphanet 29072, MedGen C3279992, MONDO:0013602, OMIM 614165.
Mitochondrial complex II deficiency, nuclear type 1. Also called: SUCCINATE CoQ REDUCTASE DEFICIENCY. Identifiers: Orphanet 3208, MedGen C5700310, MONDO:0100294, OMIM 252011.

Submissions (3):

Labcorp Genetics (formerly Invitae), Labcorp
Classification: Pathogenic for Pheochromocytoma/paraganglioma syndrome 5; Mitochondrial complex II deficiency, nuclear type 1. Last evaluated: 2025-05-11. Review status: criteria provided, single submitter. Criteria: Invitae Variant Classification Sherloc (09022015). Collection method: clinical testing. Allele origin: germline.
Comment: This sequence change creates a premature translational stop signal (p.Val4Glyfs*35) in the SDHA gene. It is expected to result in an absent or disrupted protein product. Loss-of-function variants in SDHA are known to be pathogenic (PMID: 22974104, 24781757). This variant is not present in population databases (gnomAD no frequency). This variant has not been reported in the literature in individuals affected with SDHA-related conditions. ClinVar contains an entry for this variant (Variation ID: 1750996). For these reasons, this variant has been classified as Pathogenic.

Ambry Genetics
Classification: Pathogenic for Hereditary cancer-predisposing syndrome. Last evaluated: 2024-07-17. Review status: criteria provided, single submitter. Criteria: Ambry Variant Classification Scheme 2023. Collection method: clinical testing. Allele origin: germline.
Comment: The c.5dupC pathogenic mutation, located in coding exon 1 of the SDHA gene, results from a duplication of C at nucleotide position 5, causing a translational frameshift with a predicted alternate stop codon (p.V4Gfs*35). This alteration is expected to result in loss of function by premature protein truncation or nonsense-mediated mRNA decay. As such, this alteration is interpreted as a disease-causing mutation.

Myriad Genetics, Inc.
Classification: Pathogenic for Pheochromocytoma/paraganglioma syndrome 5. Last evaluated: 2024-02-06. Review status: criteria provided, single submitter. Criteria: Myriad Autosomal Dominant, Autosomal Recessive and X-Linked Classification Criteria (2023). Collection method: clinical testing. Allele origin: unknown.
Comment: This variant is considered pathogenic. This variant creates a frameshift predicted to result in premature protein truncation.

Literature cited by the submitters: PubMed 22974104 (cited by Labcorp Genetics (formerly Invitae), Labcorp); PubMed 24781757 (cited by Labcorp Genetics (formerly Invitae), Labcorp).